The following is an entry in ClinVar:

NM_000178.4(GSS):c.811A>G (p.Met271Val)

Gene: GSS (glutathione synthetase; minus strand). Cytogenetic location: 20q11.22.
Variant type: single nucleotide variant.
Coding change: c.811A>G on transcript NM_000178.4 (MANE Select); coding-DNA position 811, A replaced by G.
Protein change: p.Met271Val; replaces methionine 271 with valine.
Molecular consequence: missense variant.
Genome position (GRCh38, 1-based): chr20:34,935,599, T>C on the plus strand (A>G on the coding strand, the complement: GSS is on the minus strand). VCF-style: chr20-34935599-T-C. GRCh37 (hg19) VCF-style: chr20-33523402-T-C.
Other names: c.811A>G, p.Met271Val (NM_001322494.1, NM_001322495.1); short protein forms M271V.
Identifiers: ClinVar variation 1442091 (VCV001442091.9), dbSNP rs1261304268, ClinGen allele CA408702266.

ClinVar aggregate classification (germline): Uncertain significance (1 of 4 stars; one submission).

Conditions:
Glutathione synthetase deficiency with 5-oxoprolinuria. Also called: Reduced glutathione synthetase level; 5-OXOPROLINURIA DUE TO GLUTATHIONE SYNTHETASE DEFICIENCY; PYROGLUTAMIC ACIDURIA; 5-Oxoprolinuria; Gluthathione synthetase deficiency. Identifiers: Orphanet 289846, MedGen C0398746, MONDO:0009947, OMIM 266130, HP:0003343.

Allele frequency attached by ClinVar (database versions not stated): gnomAD exomes below 0.00001.

Submission:

Labcorp Genetics (formerly Invitae), Labcorp
Classification: Uncertain significance for Glutathione synthetase deficiency with 5-oxoprolinuria. Last evaluated: 2022-01-27. Review status: criteria provided, single submitter. Criteria: Invitae Variant Classification Sherloc (09022015). Collection method: clinical testing. Allele origin: germline.
Comment: This sequence change replaces methionine, which is neutral and non-polar, with valine, which is neutral and non-polar, at codon 271 of the GSS protein (p.Met271Val). This variant is present in population databases (no rsID available, gnomAD 0.007%). This variant has not been reported in the literature in individuals affected with GSS-related conditions. Algorithms developed to predict the effect of missense changes on protein structure and function output the following: SIFT: "Tolerated"; PolyPhen-2: "Benign"; Align-GVGD: "Class C0". The valine amino acid residue is found in multiple mammalian species, which suggests that this missense change does not adversely affect protein function. In summary, the available evidence is currently insufficient to determine the role of this variant in disease. Therefore, it has been classified as a Variant of Uncertain Significance.